The following is an entry in ClinVar:

NM_005591.4(MRE11):c.2117A>C (p.Asn706Thr)

Gene: MRE11 (MRE11 double strand break repair nuclease; minus strand). Cytogenetic location: 11q21.
Variant type: single nucleotide variant.
Coding change: c.2117A>C on transcript NM_005591.4 (MANE Select); coding-DNA position 2117, A replaced by C.
Protein change: p.Asn706Thr; replaces asparagine 706 with threonine.
Molecular consequence: missense variant.
Genome position (GRCh38, 1-based): chr11:94,420,135, T>G on the plus strand (A>C on the coding strand, the complement: MRE11 is on the minus strand). VCF-style: chr11-94420135-T-G. GRCh37 (hg19) VCF-style: chr11-94153301-T-G.
Other names: c.2114A>C, p.Asn705Thr (NM_001330347.2); c.2033A>C, p.Asn678Thr (NM_005590.4); short protein forms N706T, N678T, N705T.
Identifiers: ClinVar variation 3397849 (VCV003397849.1).
Genomic context (GRCh38, chr11:94,420,135, plus strand): 5'-CATTTTCATTTTTCCTGTATCTTGCATGTTTCTCAGTGCCATTAAATATATTATCTTCTA[T>G]TTCTTCTTAAAGAACTAGTGTTCATAAAAGGATCATCATCATCATCCTGAAATGAGATAC-3'
Protein context (NP_005582.1, residues 696-708): PFMNTSSLRR[Asn706Thr]RR

ClinVar aggregate classification (germline): Uncertain significance (1 of 4 stars; one submission).

Conditions:
Hereditary cancer-predisposing syndrome. Also called: Hereditary Cancer Syndrome; Tumor predisposition; Hereditary neoplastic syndrome; Neoplastic Syndromes, Hereditary. Identifiers: Orphanet 140162, MedGen C0027672, MeSH D009386, MONDO:0015356.

Submission:

Ambry Genetics
Classification: Uncertain significance for Hereditary cancer-predisposing syndrome. Last evaluated: 2024-08-19. Review status: criteria provided, single submitter. Criteria: Ambry Variant Classification Scheme 2023. Collection method: clinical testing. Allele origin: germline.
Comment: The p.N706T variant (also known as c.2117A>C), located in coding exon 19 of the MRE11A gene, results from an A to C substitution at nucleotide position 2117. The asparagine at codon 706 is replaced by threonine, an amino acid with similar properties. This amino acid position is conserved. In addition, this alteration is predicted to be tolerated by in silico analysis. Based on the available evidence, the clinical significance of this variant remains unclear.